The following is an entry in ClinVar:

ClinVar aggregate classification (germline): Benign (1 of 4 stars; one submission).

Allele frequency attached by ClinVar (database versions not stated): 1000 Genomes Project 30x 0.00281; 1000 Genomes Project 0.00359; TOPMed 0.00690; ESP Exome Variant Server 0.00861; gnomAD 0.00973; ExAC 0.00974.

Submission:

CeGaT Center for Human Genetics Tuebingen
Classification: Benign. Last evaluated: 2024-12-01. Review status: criteria provided, single submitter. Criteria: CeGaT Center For Human Genetics Tuebingen Variant Classification Criteria Version 2. Collection method: clinical testing. Allele origin: germline. Affected: yes. Observed: 2 variant alleles.
Comment: FOXF2: BP4, BP7, BS1, BS2

NM_001452.2(FOXF2):c.1272C>T (p.Ser424=)

Gene: FOXF2 (forkhead box F2; plus strand). Cytogenetic location: 6p25.3.
Variant type: single nucleotide variant.
Coding change: c.1272C>T on transcript NM_001452.2 (MANE Select); coding-DNA position 1272, C replaced by T.
Protein change: p.Ser424=; no amino-acid change (serine 424 retained).
Molecular consequence: synonymous variant.
Genome position (GRCh38, 1-based): chr6:1,394,796, C>T. VCF-style: chr6-1394796-C-T. GRCh37 (hg19) VCF-style: chr6-1395031-C-T.
Identifiers: ClinVar variation 2656172 (VCV002656172.24), dbSNP rs61753348, ClinGen allele CA3614655.